The following is an entry in ClinVar:

NM_000037.4(ANK1):c.2735+1G>T

Gene: ANK1 (ankyrin 1; minus strand). Cytogenetic location: 8p11.21.
Variant type: single nucleotide variant.
Coding change: c.2735+1G>T on transcript NM_000037.4 (MANE Select); the canonical splice donor site of the intron after coding-DNA position 2735, G replaced by T.
Molecular consequence: splice donor variant.
Genome position (GRCh38, 1-based): chr8:41,696,675, C>A on the plus strand (G>T on the coding strand, the complement: ANK1 is on the minus strand). VCF-style: chr8-41696675-C-A. GRCh37 (hg19) VCF-style: chr8-41554193-C-A.
Other names: c.2858+1G>T (NM_001142446.2); c.2735+1G>T (NM_020477.3, NM_020475.3, NM_020476.3).
Identifiers: ClinVar variation 4988055 (VCV004988055.1).

ClinVar aggregate classification (germline): Pathogenic (1 of 4 stars; one submission).

Conditions:
ANK1-related disorder. Also called: ANK1-related condition.

Submission:

PreventionGenetics, part of Exact Sciences
Classification: Pathogenic for ANK1-related condition. Last evaluated: 2025-10-11. Review status: criteria provided, single submitter. Criteria: ACMG Guidelines, 2015. Collection method: clinical testing. Allele origin: germline.
Comment: The ANK1 c.2735+1G>T variant is predicted to disrupt the GT donor site and interfere with normal splicing. This variant was reported in an individual with hereditary spherocytosis (Wang et al. 2018. PubMed ID: 29572776). This variant has not been reported in a large population database (gnomAD), indicating this variant is rare. Variants that disrupt the consensus splice donor site in ANK1 are expected to be pathogenic. This variant is interpreted as pathogenic.